The following is an entry in ClinVar:

ClinVar aggregate classification (germline): Uncertain significance (1 of 4 stars; one submission).

Conditions:
Inborn genetic diseases. Identifiers: MedGen C0950123, MeSH D030342.

Submission:

Ambry Genetics
Classification: Uncertain significance for Inborn genetic diseases. Last evaluated: 2026-09-14. Review status: criteria provided, single submitter. Criteria: Ambry Variant Classification Scheme 2023. Collection method: clinical testing. Allele origin: germline.
Comment: The p.P8L variant (also known as c.23C>T), located in coding exon 1 of the ERCC6L2 gene, results from a C to T substitution at nucleotide position 23. The proline at codon 8 is replaced by leucine, an amino acid with similar properties. This amino acid position is conserved. In addition, this alteration is predicted to be tolerated by in silico analysis. Based on the available evidence, the clinical significance of this variant remains unclear.

NM_020207.7(ERCC6L2):c.23C>T (p.Pro8Leu)

Gene: ERCC6L2 (ERCC excision repair 6 like 2; plus strand). Cytogenetic location: 9q22.32.
Variant type: single nucleotide variant.
Coding change: c.23C>T on transcript NM_020207.7 (MANE Select); coding-DNA position 23, C replaced by T.
Protein change: p.Pro8Leu; replaces proline 8 with leucine.
Molecular consequence: missense variant. On other transcripts: non-coding transcript variant (1).
Genome position (GRCh38, 1-based): chr9:95,876,061, C>T. VCF-style: chr9-95876061-C-T. GRCh37 (hg19) VCF-style: chr9-98638343-C-T.
Other names: c.23C>T, p.Pro8Leu (NM_001010895.4, NM_001375291.1, NM_001375292.1 and 2 more transcripts); short protein forms P8L.
Identifiers: ClinVar variation 5036119 (VCV005036119.1).